The following is an entry in ClinVar:

ClinVar aggregate classification (germline): Uncertain significance. Review status: criteria provided, multiple submitters, no conflicts (2 of 4 stars). 3 submissions from 3 submitters: Uncertain significance (3). Last evaluated 2022-11-01.

Conditions:
Occipital pachygyria and polymicrogyria. Identifiers: Orphanet 280640, MedGen C3279875, MONDO:0013583, OMIM 614115.

Allele frequency attached by ClinVar (database versions not stated): gnomAD 0.00001 and 0.00002; TOPMed 0.00004; gnomAD exomes 0.00005 and 0.00007; ESP Exome Variant Server 0.00008; ExAC 0.00009.
gnomAD v4.1: 80 of 1,613,506 alleles (0.005%); highest among the groups gnomAD compares: Middle Eastern, 0.033%; no homozygotes.

Submissions (3):

Labcorp Genetics (formerly Invitae), Labcorp
Classification: Uncertain significance. Last evaluated: 2022-11-01. Review status: criteria provided, single submitter. Criteria: Invitae Variant Classification Sherloc (09022015). Collection method: clinical testing. Allele origin: germline.
Comment: Algorithms developed to predict the effect of missense changes on protein structure and function output the following: SIFT: "Tolerated"; PolyPhen-2: "Benign"; Align-GVGD: "Class C0". The histidine amino acid residue is found in multiple mammalian species, which suggests that this missense change does not adversely affect protein function. In summary, the available evidence is currently insufficient to determine the role of this variant in disease. Therefore, it has been classified as a Variant of Uncertain Significance. ClinVar contains an entry for this variant (Variation ID: 561148). This missense change has been observed in individual(s) with clinical features of LAMC3-related conditions (PMID: 25326635). This variant is present in population databases (rs145176060, gnomAD 0.02%). This sequence change replaces arginine, which is basic and polar, with histidine, which is basic and polar, at codon 186 of the LAMC3 protein (p.Arg186His).

GeneDx
Classification: Uncertain significance. Last evaluated: 2021-04-21. Review status: criteria provided, single submitter. Criteria: GeneDx Variant Classification Process June 2021. Collection method: clinical testing. Allele origin: germline. Affected: yes.
Comment: Reported in ClinVar as a variant of uncertain significance in trans with another missense variant in a patient with neurodevelopmental and neurological features as well as multiple congenital anomalies, but additional evidence is not available (ClinVar SCV000807630.1; Landrum et al., 2016); In silico analysis supports that this missense variant has a deleterious effect on protein structure/function; This variant is associated with the following publications: (PMID: 25326635)

Baylor Genetics
Classification: Uncertain significance for Occipital pachygyria and polymicrogyria. Last evaluated: 2017-09-01. Review status: criteria provided, single submitter. Criteria: ACMG Guidelines, 2015. Collection method: clinical testing. Allele origin: paternal. Inheritance: Autosomal recessive inheritance. Affected: yes.

Literature cited by the submitters: PubMed 25326635 (cited by Labcorp Genetics (formerly Invitae), Labcorp and Baylor Genetics).

NM_006059.4(LAMC3):c.557G>A (p.Arg186His)

Gene: LAMC3 (laminin subunit gamma 3; plus strand). Cytogenetic location: 9q34.12.
Variant type: single nucleotide variant.
Coding change: c.557G>A on transcript NM_006059.4 (MANE Select); coding-DNA position 557, G replaced by A.
Protein change: p.Arg186His; replaces arginine 186 with histidine.
Molecular consequence: missense variant.
Genome position (GRCh38, 1-based): chr9:131,026,468, G>A. VCF-style: chr9-131026468-G-A. GRCh37 (hg19) VCF-style: chr9-133901855-G-A.
Other names: short protein forms R186H.
Identifiers: ClinVar variation 561148 (VCV000561148.10), dbSNP rs145176060, ClinGen allele CA5286731.